The following is an entry in ClinVar:

ClinVar aggregate classification (germline): Uncertain significance (1 of 4 stars; one submission).

Submission:

Labcorp Genetics (formerly Invitae), Labcorp
Classification: Uncertain significance. Last evaluated: 2026-01-12. Review status: criteria provided, single submitter. Criteria: Invitae Variant Classification Sherloc (09022015). Collection method: clinical testing. Allele origin: germline.
Comment: This sequence change replaces lysine, which is basic and polar, with methionine, which is neutral and non-polar, at codon 133 of the JAK1 protein (p.Lys133Met). This variant is not present in population databases (gnomAD no frequency). This variant has not been reported in the literature in individuals affected with JAK1-related conditions. Invitae Evidence Modeling of protein sequence and biophysical properties (such as structural, functional, and spatial information, amino acid conservation, physicochemical variation, residue mobility, and thermodynamic stability) indicates that this missense variant is not expected to disrupt JAK1 protein function with a negative predictive value of 80%. In summary, the available evidence is currently insufficient to determine the role of this variant in disease. Therefore, it has been classified as a Variant of Uncertain Significance.

NM_002227.4(JAK1):c.398A>T (p.Lys133Met)

Gene: JAK1 (Janus kinase 1; minus strand). Cytogenetic location: 1p31.3.
Variant type: single nucleotide variant.
Coding change: c.398A>T on transcript NM_002227.4 (MANE Select); coding-DNA position 398, A replaced by T.
Protein change: p.Lys133Met; replaces lysine 133 with methionine.
Molecular consequence: missense variant.
Genome position (GRCh38, 1-based): chr1:64,873,455, T>A on the plus strand (A>T on the coding strand, the complement: JAK1 is on the minus strand). VCF-style: chr1-64873455-T-A. GRCh37 (hg19) VCF-style: chr1-65339138-T-A.
Other names: c.398A>T, p.Lys133Met (NM_001320923.2, NM_001321852.2, NM_001321853.2 and 4 more transcripts); short protein forms K133M.
Identifiers: ClinVar variation 4719540 (VCV004719540.1).
Genomic context (GRCh38, chr1:64,873,455, plus strand): 5'-CTGGCATCAAGGAGAGGGGTTGCATCTGGAATCTTTTTTTTCTCGTAGCCATTTTTCTGC[T>A]TCTTTGGAGAATGACGCCACACTGACTGCTCATTGTCGTTGGTTCCATGCCAATTGGTGA-3'
Protein context (NP_002218.2, residues 123-143): EQSVWRHSPK[Lys133Met]QKNGYEKKKI